The following is an entry in ClinVar:

NM_001297.5(CNGB1):c.2536A>G (p.Ile846Val)

Gene: CNGB1 (cyclic nucleotide gated channel subunit beta 1; minus strand). Cytogenetic location: 16q21.
Variant type: single nucleotide variant.
Coding change: c.2536A>G on transcript NM_001297.5 (MANE Select); coding-DNA position 2536, A replaced by G.
Protein change: p.Ile846Val; replaces isoleucine 846 with valine.
Molecular consequence: missense variant.
Genome position (GRCh38, 1-based): chr16:57,904,832, T>C on the plus strand (A>G on the coding strand, the complement: CNGB1 is on the minus strand). VCF-style: chr16-57904832-T-C. GRCh37 (hg19) VCF-style: chr16-57938736-T-C.
Other names: c.2518A>G, p.Ile840Val (NM_001286130.2); c.2536A>G (NM_001297.4); short protein forms I840V, I846V.
Identifiers: ClinVar variation 1369752 (VCV001369752.7), dbSNP rs111880869, ClinGen allele CA8082940.

ClinVar aggregate classification (germline): Uncertain significance. Review status: criteria provided, multiple submitters, no conflicts (2 of 4 stars). 3 submissions from 3 submitters: Uncertain significance (3). Last evaluated 2025-04-14.

Conditions:
Inborn genetic diseases. Identifiers: MedGen C0950123, MeSH D030342.

Allele frequency attached by ClinVar (database versions not stated): gnomAD exomes below 0.00001 and 0.00001; TOPMed 0.00001; ExAC 0.00002; gnomAD 0.00002 and 0.00003; 1000 Genomes Project 30x 0.00016; 1000 Genomes Project 0.00020.
gnomAD v4.1: 9 of 1,614,108 alleles (0.00056%); highest among the groups gnomAD compares: African/African-American, 0.011%; no homozygotes.

Submissions (3):

Ambry Genetics
Classification: Uncertain significance for Inborn genetic diseases. Last evaluated: 2025-04-14. Review status: criteria provided, single submitter. Criteria: Ambry Variant Classification Scheme 2023. Collection method: clinical testing. Allele origin: germline.

Labcorp Genetics (formerly Invitae), Labcorp
Classification: Uncertain significance. Last evaluated: 2024-11-12. Review status: criteria provided, single submitter. Criteria: Invitae Variant Classification Sherloc (09022015). Collection method: clinical testing. Allele origin: germline.
Comment: This sequence change replaces isoleucine, which is neutral and non-polar, with valine, which is neutral and non-polar, at codon 846 of the CNGB1 protein (p.Ile846Val). This variant is present in population databases (rs111880869, gnomAD 0.008%). This variant has not been reported in the literature in individuals affected with CNGB1-related conditions. ClinVar contains an entry for this variant (Variation ID: 1369752). Invitae Evidence Modeling of protein sequence and biophysical properties (such as structural, functional, and spatial information, amino acid conservation, physicochemical variation, residue mobility, and thermodynamic stability) indicates that this missense variant is not expected to disrupt CNGB1 protein function with a negative predictive value of 80%. In summary, the available evidence is currently insufficient to determine the role of this variant in disease. Therefore, it has been classified as a Variant of Uncertain Significance.

Blueprint Genetics
Classification: Uncertain significance. Last evaluated: 2024-09-09. Review status: criteria provided, single submitter. Criteria: ACMG Guidelines, 2015. Collection method: clinical testing. Allele origin: germline.